The following is an entry in ClinVar:

ClinVar aggregate classification (germline): Uncertain significance (1 of 4 stars; one submission).

Allele frequency attached by ClinVar (database versions not stated): gnomAD exomes below 0.00001.
gnomAD v4.1: 1 of 1,613,998 alleles (0.000062%); highest among the groups gnomAD compares: East Asian, 0.0022%; no homozygotes.

Submission:

GeneDx
Classification: Uncertain significance. Last evaluated: 2020-01-10. Review status: criteria provided, single submitter. Criteria: GeneDx Variant Classification Process June 2021. Collection method: clinical testing. Allele origin: germline. Affected: yes.
Comment: Has not been previously published as pathogenic or benign to our knowledge; Not observed in large population cohorts (Lek et al., 2016); In silico analysis, which includes protein predictors and evolutionary conservation, supports that this variant does not alter protein structure/function

NM_000093.5(COL5A1):c.550A>G (p.Lys184Glu)

Gene: COL5A1 (collagen type V alpha 1 chain; plus strand). Cytogenetic location: 9q34.3.
Variant type: single nucleotide variant.
Coding change: c.550A>G on transcript NM_000093.5 (MANE Select); coding-DNA position 550, A replaced by G.
Protein change: p.Lys184Glu; replaces lysine 184 with glutamic acid.
Molecular consequence: missense variant.
Genome position (GRCh38, 1-based): chr9:134,701,229, A>G. VCF-style: chr9-134701229-A-G. GRCh37 (hg19) VCF-style: chr9-137593075-A-G.
Other names: c.550A>G, p.Lys184Glu (NM_001278074.1); short protein forms K184E.
Identifiers: ClinVar variation 1318027 (VCV001318027.2), dbSNP rs2132572947, ClinGen allele CA375443320.